The following is an entry in ClinVar:

ClinVar aggregate classification (germline): Uncertain significance (1 of 4 stars; one submission).

Allele frequency attached by ClinVar (database versions not stated): ExAC 0.00001; gnomAD 0.00001; TOPMed 0.00001.
gnomAD v4.1: 1 of 1,601,796 alleles (0.000062%); highest among the groups gnomAD compares: African/African-American, 0.0014%; no homozygotes.

Submission:

Labcorp Genetics (formerly Invitae), Labcorp
Classification: Uncertain significance. Last evaluated: 2023-10-22. Review status: criteria provided, single submitter. Criteria: Invitae Variant Classification Sherloc (09022015). Collection method: clinical testing. Allele origin: germline.
Comment: This sequence change replaces glutamine, which is neutral and polar, with histidine, which is basic and polar, at codon 526 of the KSR2 protein (p.Gln526His). This variant is present in population databases (rs767937943, gnomAD 0.007%). This variant has not been reported in the literature in individuals affected with KSR2-related conditions. An algorithm developed to predict the effect of missense changes on protein structure and function (PolyPhen-2) suggests that this variant is likely to be disruptive. In summary, the available evidence is currently insufficient to determine the role of this variant in disease. Therefore, it has been classified as a Variant of Uncertain Significance.

NM_173598.6(KSR2):c.1665G>C (p.Gln555His)

Gene: KSR2 (kinase suppressor of ras 2; minus strand). Cytogenetic location: 12q24.22.
Variant type: single nucleotide variant.
Coding change: c.1665G>C on transcript NM_173598.6 (MANE Select); coding-DNA position 1665, G replaced by C.
Protein change: p.Gln555His; replaces glutamine 555 with histidine.
Molecular consequence: missense variant.
Genome position (GRCh38, 1-based): chr12:117,539,741, C>G on the plus strand (G>C on the coding strand, the complement: KSR2 is on the minus strand). VCF-style: chr12-117539741-C-G. GRCh37 (hg19) VCF-style: chr12-117977546-C-G.
Other names: short protein forms Q555H.
Identifiers: ClinVar variation 3008524 (VCV003008524.3), dbSNP rs767937943, ClinGen allele CA6815968.